The following is an entry in ClinVar:

ClinVar aggregate classification (germline): Uncertain significance. Review status: criteria provided, multiple submitters, no conflicts (2 of 4 stars). 2 submissions from 2 submitters: Uncertain significance (2). Last evaluated 2025-06-06.

Allele frequency attached by ClinVar (database versions not stated): gnomAD exomes below 0.00001; ExAC 0.00001; TOPMed 0.00001; gnomAD 0.00002.

Submissions (2):

Ambry Genetics
Classification: Uncertain significance. Last evaluated: 2025-06-06. Review status: criteria provided, single submitter. Criteria: Ambry Variant Classification Scheme 2023. Collection method: clinical testing. Allele origin: germline.

Labcorp Genetics (formerly Invitae), Labcorp
Classification: Uncertain significance. Last evaluated: 2024-03-21. Review status: criteria provided, single submitter. Criteria: Invitae Variant Classification Sherloc (09022015). Collection method: clinical testing. Allele origin: germline.
Comment: This sequence change replaces leucine, which is neutral and non-polar, with valine, which is neutral and non-polar, at codon 227 of the TSEN34 protein (p.Leu227Val). This variant is present in population databases (rs780634749, gnomAD 0.003%). This variant has not been reported in the literature in individuals affected with TSEN34-related conditions. An algorithm developed to predict the effect of missense changes on protein structure and function (PolyPhen-2) suggests that this variant is likely to be disruptive. In summary, the available evidence is currently insufficient to determine the role of this variant in disease. Therefore, it has been classified as a Variant of Uncertain Significance.

NM_001077446.4(TSEN34):c.679C>G (p.Leu227Val)

Gene: TSEN34 (tRNA splicing endonuclease subunit 34; plus strand). Cytogenetic location: 19q13.42.
Variant type: single nucleotide variant.
Coding change: c.679C>G on transcript NM_001077446.4 (MANE Select); coding-DNA position 679, C replaced by G.
Protein change: p.Leu227Val; replaces leucine 227 with valine.
Molecular consequence: missense variant.
Genome position (GRCh38, 1-based): chr19:54,192,307, C>G. VCF-style: chr19-54192307-C-G. GRCh37 (hg19) VCF-style: chr19-54696158-C-G.
Other names: c.679C>G (NM_024075.3); c.679C>G, p.Leu227Val (NM_001282332.2, NM_001282333.2, NM_001386740.1 and 1 more transcripts); short protein forms L227V.
Identifiers: ClinVar variation 2963408 (VCV002963408.4), dbSNP rs780634749, ClinGen allele CA309374999.